The following is an entry in ClinVar:

NM_001177701.3(IFT27):c.66A>G (p.Ala22=)

Gene: IFT27 (intraflagellar transport 27; minus strand). Cytogenetic location: 22q12.3.
Variant type: single nucleotide variant.
Coding change: c.66A>G on transcript NM_001177701.3 (MANE Select); coding-DNA position 66, A replaced by G.
Protein change: p.Ala22=; no amino-acid change (alanine 22 retained).
Molecular consequence: synonymous variant.
Genome position (GRCh38, 1-based): chr22:36,767,831, T>C on the plus strand (A>G on the coding strand, the complement: IFT27 is on the minus strand). VCF-style: chr22-36767831-T-C. GRCh37 (hg19) VCF-style: chr22-37163875-T-C.
Other names: c.63A>G (NM_006860.4); c.66A>G, p.Ala22= (NM_001363003.2); c.63A>G, p.Ala21= (NM_006860.5).
Identifiers: ClinVar variation 1934909 (VCV001934909.6), dbSNP rs2145921048, ClinGen allele CA514363913.

ClinVar aggregate classification (germline): Likely benign. Review status: criteria provided, multiple submitters, no conflicts (2 of 4 stars). 2 submissions from 2 submitters: Likely benign (2). Last evaluated 2024-12-18.

Conditions:
IFT27-related disorder. Also called: IFT27-related condition.

Allele frequency attached by ClinVar (database versions not stated): gnomAD exomes below 0.00001.
gnomAD v4.1: 6 of 1,614,208 alleles (0.00037%); highest among the groups gnomAD compares: East Asian, 0.0022%; no homozygotes.

Submissions (2):

PreventionGenetics, part of Exact Sciences
Classification: Likely benign for IFT27-related condition. Last evaluated: 2024-12-18. Review status: criteria provided, single submitter. Criteria: ACMG Guidelines, 2015. Collection method: clinical testing. Allele origin: germline.
Comment: This variant is classified as likely benign based on ACMG/AMP sequence variant interpretation guidelines (Richards et al. 2015 PMID: 25741868, with internal and published modifications).

Labcorp Genetics (formerly Invitae), Labcorp
Classification: Likely benign. Last evaluated: 2023-11-27. Review status: criteria provided, single submitter. Criteria: Invitae Variant Classification Sherloc (09022015). Collection method: clinical testing. Allele origin: germline.